The following is an entry in ClinVar:

ClinVar aggregate classification (germline): Benign. Review status: criteria provided, multiple submitters, no conflicts (2 of 4 stars). 3 submissions from 3 submitters: Benign (3). Last evaluated 2024-08-13.

Allele frequency attached by ClinVar (database versions not stated): gnomAD 0.14051; ExAC 0.50000; gnomAD exomes 0.39921 and 0.39819; 1000 Genomes Project 0.34685.

Submissions (3):

Mayo Clinic Laboratories, Mayo Clinic
Classification: Benign. Last evaluated: 2024-08-13. Review status: criteria provided, single submitter. Criteria: ACMG Guidelines, 2015. Collection method: clinical testing. Allele origin: germline. Observed: 2,004 variant alleles.
Comment: BA1, BP4

GeneDx
Classification: Benign. Last evaluated: 2018-07-09. Review status: criteria provided, single submitter. Criteria: GeneDx Variant Classification Process June 2021. Collection method: clinical testing. Allele origin: germline. Affected: yes.

PreventionGenetics, part of Exact Sciences
Classification: Benign. Review status: criteria provided, single submitter. Criteria: ACMG Guidelines, 2015. Collection method: clinical testing. Allele origin: germline.

NM_001365276.2(TNXB):c.11921A>C (p.Asn3974Thr)

Genes: TNXB (tenascin XB; minus strand), LOC106780803 (tenascin XB recombination region; plus strand). Cytogenetic location: 6p21.33.
Variant type: single nucleotide variant.
Coding change: c.11921A>C on transcript NM_001365276.2 (MANE Select); coding-DNA position 11921, A replaced by C.
Protein change: p.Asn3974Thr; replaces asparagine 3974 with threonine.
Molecular consequence: missense variant.
Genome position (GRCh38, 1-based): chr6:32,042,955, T>G on the plus strand (A>C on the coding strand, the complement: TNXB is on the minus strand). VCF-style: chr6-32042955-T-G. GRCh37 (hg19) VCF-style: chr6-32010732-T-G.
Other names: p.Asn3972Thr; c.11915A>C, p.Asn3972Thr (NM_019105.8); c.1208A>C, p.Asn403Thr (NM_032470.4); short protein forms N3972T, N403T, N3974T.
Identifiers: ClinVar variation 261117 (VCV000261117.6), dbSNP rs1135809, ClinGen allele CA3732914.
Genomic context (GRCh38, chr6:32,042,955, plus strand): 5'-GCAGCACCTCCTGGAATCACCCAGGGAGGGGAGTTGGGTCAGTGGGGCCGGGGCACCTGG[T>G]TCTGTCCACCAGGGGTGTGGAAGCTGAGCAGGTAGCCTGCGGGCCGGACTGGGGGCTCAG-3'
Protein context (NP_001352205.1, residues 3964-3984): LLSFHTPGGQ[Asn3974Thr]QEILLPGGIT